The following is an entry in ClinVar:

NM_000702.4(ATP1A2):c.38C>T (p.Ala13Val)

Gene: ATP1A2 (ATPase Na+/K+ transporting subunit alpha 2; plus strand). Cytogenetic location: 1q23.2.
Variant type: single nucleotide variant.
Coding change: c.38C>T on transcript NM_000702.4 (MANE Select); coding-DNA position 38, C replaced by T.
Protein change: p.Ala13Val; replaces alanine 13 with valine.
Molecular consequence: missense variant.
Genome position (GRCh38, 1-based): chr1:160,120,931, C>T. VCF-style: chr1-160120931-C-T. GRCh37 (hg19) VCF-style: chr1-160090721-C-T.
Other names: short protein forms A13V.
Identifiers: ClinVar variation 2133029 (VCV002133029.5), dbSNP rs1651374712, ClinGen allele CA343227100.

ClinVar aggregate classification (germline): Uncertain significance. Review status: criteria provided, multiple submitters, no conflicts (2 of 4 stars). 2 submissions from 2 submitters: Uncertain significance (2). Last evaluated 2025-08-31.

Conditions:
Inborn genetic diseases. Identifiers: MedGen C0950123, MeSH D030342.
Familial hemiplegic migraine. Identifiers: MedGen C0338484, MONDO:0000700.

Allele frequency attached by ClinVar (database versions not stated): gnomAD exomes below 0.00001; gnomAD 0.00001.
gnomAD v4.1: 2 of 1,605,994 alleles (0.00012%); highest among the groups gnomAD compares: Non-Finnish European, 0.00017%; no homozygotes.

Submissions (2):

Ambry Genetics
Classification: Uncertain significance for Inborn genetic diseases. Last evaluated: 2025-08-31. Review status: criteria provided, single submitter. Criteria: Ambry Variant Classification Scheme 2023. Collection method: clinical testing. Allele origin: germline.

Labcorp Genetics (formerly Invitae), Labcorp
Classification: Uncertain significance for Familial hemiplegic migraine. Last evaluated: 2022-05-18. Review status: criteria provided, single submitter. Criteria: Invitae Variant Classification Sherloc (09022015). Collection method: clinical testing. Allele origin: germline.
Comment: This variant is not present in population databases (gnomAD no frequency). In summary, the available evidence is currently insufficient to determine the role of this variant in disease. Therefore, it has been classified as a Variant of Uncertain Significance. Advanced modeling of protein sequence and biophysical properties (such as structural, functional, and spatial information, amino acid conservation, physicochemical variation, residue mobility, and thermodynamic stability) performed at Invitae indicates that this missense variant is not expected to disrupt ATP1A2 protein function. This variant has not been reported in the literature in individuals affected with ATP1A2-related conditions. This sequence change replaces alanine, which is neutral and non-polar, with valine, which is neutral and non-polar, at codon 13 of the ATP1A2 protein (p.Ala13Val).